The following is an entry in ClinVar:

NM_017636.4(TRPM4):c.1051-1G>A

Gene: TRPM4 (transient receptor potential cation channel subfamily M member 4; plus strand). Cytogenetic location: 19q13.33.
Variant type: single nucleotide variant.
Coding change: c.1051-1G>A on transcript NM_017636.4 (MANE Select); the canonical splice acceptor site of the intron before coding-DNA position 1051, G replaced by A.
Molecular consequence: splice acceptor variant. On other transcripts: intron variant (1).
Genome position (GRCh38, 1-based): chr19:49,172,008, G>A. VCF-style: chr19-49172008-G-A. GRCh37 (hg19) VCF-style: chr19-49675265-G-A.
Other names: c.1051-1G>A (NM_001195227.2); c.-503-1G>A (NM_001321282.2); c.706-1G>A (NM_001321281.2); c.529-1G>A (NM_001321283.2); c.201+239G>A (NM_001321285.2).
Identifiers: ClinVar variation 4704764 (VCV004704764.1).

ClinVar aggregate classification (germline): Uncertain significance (1 of 4 stars; one submission).

Conditions:
Progressive familial heart block type IB (PFHB1B). Identifiers: Orphanet 871, MedGen C1970298, MONDO:0011474, OMIM 604559.

gnomAD v4.1: 2 of 1,613,056 alleles (0.00012%); highest among the groups gnomAD compares: Non-Finnish European, 0.000085%; no homozygotes.

Submission:

Labcorp Genetics (formerly Invitae), Labcorp
Classification: Uncertain significance for Progressive familial heart block type IB. Last evaluated: 2025-10-27. Review status: criteria provided, single submitter. Criteria: Invitae Variant Classification Sherloc (09022015). Collection method: clinical testing. Allele origin: germline.
Comment: This sequence change affects an acceptor splice site in intron 8 of the TRPM4 gene. It is expected to disrupt RNA splicing. Variants that disrupt the donor or acceptor splice site typically lead to a loss of protein function (PMID: 16199547), however the current clinical and genetic evidence is not sufficient to establish whether loss-of-function variants in TRPM4 cause disease. This variant is present in population databases (no rsID available, gnomAD 0.004%). This variant has not been reported in the literature in individuals affected with TRPM4-related conditions. Algorithms developed to predict the effect of sequence changes on RNA splicing suggest that this variant may disrupt the consensus splice site. In summary, the available evidence is currently insufficient to determine the role of this variant in disease. Therefore, it has been classified as a Variant of Uncertain Significance.

Literature cited by the submitters: PubMed 16199547.